The following is an entry in ClinVar:

ClinVar aggregate classification (germline): Uncertain significance (1 of 4 stars; one submission).

Allele frequency attached by ClinVar (database versions not stated): gnomAD 0.00001; TOPMed 0.00001.
gnomAD v4.1: 1 of 1,614,092 alleles (0.000062%); highest among the groups gnomAD compares: Non-Finnish European, 0.000085%; no homozygotes.

Submission:

Labcorp Genetics (formerly Invitae), Labcorp
Classification: Uncertain significance. Last evaluated: 2023-02-24. Review status: criteria provided, single submitter. Criteria: Invitae Variant Classification Sherloc (09022015). Collection method: clinical testing. Allele origin: germline.
Comment: This variant has not been reported in the literature in individuals affected with TERF2IP-related conditions. An algorithm developed to predict the effect of missense changes on protein structure and function (PolyPhen-2) suggests that this variant is likely to be tolerated. In summary, the available evidence is currently insufficient to determine the role of this variant in disease. Therefore, it has been classified as a Variant of Uncertain Significance. This variant is not present in population databases (gnomAD no frequency). This sequence change replaces isoleucine, which is neutral and non-polar, with valine, which is neutral and non-polar, at codon 361 of the TERF2IP protein (p.Ile361Val).

NM_018975.4(TERF2IP):c.1081A>G (p.Ile361Val)

Gene: TERF2IP (TERF2 interacting protein; plus strand). Cytogenetic location: 16q23.1.
Variant type: single nucleotide variant.
Coding change: c.1081A>G on transcript NM_018975.4 (MANE Select); coding-DNA position 1081, A replaced by G.
Protein change: p.Ile361Val; replaces isoleucine 361 with valine.
Molecular consequence: missense variant. On other transcripts: non-coding transcript variant (1).
Genome position (GRCh38, 1-based): chr16:75,656,492, A>G. VCF-style: chr16-75656492-A-G. GRCh37 (hg19) VCF-style: chr16-75690390-A-G.
Other names: short protein forms I361V.
Identifiers: ClinVar variation 3012497 (VCV003012497.3), dbSNP rs2082387568, ClinGen allele CA396820219.
Genomic context (GRCh38, chr16:75,656,492, plus strand): 5'-GGTGAGCTGGAGGCTACTTCCGCCTTCTTAGCGTCTGGTCAGAGAGCTGATGGATATCCC[A>G]TTTGGTCCCGACAAGATGACATAGATTTGCAAAAAGATGATGAGGATACCAGAGAGGCAT-3'
Protein context (NP_061848.2, residues 351-371): ASGQRADGYP[Ile361Val]WSRQDDIDLQ